The following is an entry in ClinVar:

NM_001252024.2(TRPM1):c.4523C>T (p.Pro1508Leu)

Gene: TRPM1 (transient receptor potential cation channel subfamily M member 1; minus strand). Cytogenetic location: 15q13.3.
Variant type: single nucleotide variant.
Coding change: c.4523C>T on transcript NM_001252024.2 (MANE Select); coding-DNA position 4523, C replaced by T.
Protein change: p.Pro1508Leu; replaces proline 1508 with leucine.
Molecular consequence: missense variant.
Genome position (GRCh38, 1-based): chr15:31,002,177, G>A on the plus strand (C>T on the coding strand, the complement: TRPM1 is on the minus strand). VCF-style: chr15-31002177-G-A. GRCh37 (hg19) VCF-style: chr15-31294380-G-A.
Other names: c.4574C>T, p.Pro1525Leu (NM_001252020.2); c.4457C>T, p.Pro1486Leu (NM_002420.6); short protein forms P1486L, P1508L, P1525L.
Identifiers: ClinVar variation 1054505 (VCV001054505.7), dbSNP rs189308436, ClinGen allele CA267496375.

ClinVar aggregate classification (germline): Uncertain significance (1 of 4 stars; one submission).

Allele frequency attached by ClinVar (database versions not stated): gnomAD exomes below 0.00001 and 0.00001; gnomAD 0.00001; TOPMed 0.00001; 1000 Genomes Project 30x 0.00016; 1000 Genomes Project 0.00020.
gnomAD v4.1: 9 of 1,614,228 alleles (0.00056%); highest among the groups gnomAD compares: African/African-American, 0.0027%; no homozygotes.

Submission:

Labcorp Genetics (formerly Invitae), Labcorp
Classification: Uncertain significance. Last evaluated: 2022-08-23. Review status: criteria provided, single submitter. Criteria: Invitae Variant Classification Sherloc (09022015). Collection method: clinical testing. Allele origin: germline.
Comment: This sequence change replaces proline, which is neutral and non-polar, with leucine, which is neutral and non-polar, at codon 1486 of the TRPM1 protein (p.Pro1486Leu). This variant is present in population databases (rs189308436, gnomAD 0.0009%). In summary, the available evidence is currently insufficient to determine the role of this variant in disease. Therefore, it has been classified as a Variant of Uncertain Significance. Algorithms developed to predict the effect of missense changes on protein structure and function are either unavailable or do not agree on the potential impact of this missense change (SIFT: "Deleterious"; PolyPhen-2: "Benign"; Align-GVGD: "Class C0"). ClinVar contains an entry for this variant (Variation ID: 1054505). This variant has not been reported in the literature in individuals affected with TRPM1-related conditions.